The following is an entry in ClinVar:

ClinVar aggregate classification (germline): Uncertain significance (1 of 4 stars; one submission).

Conditions:
Neuropathy, hereditary sensory, type 2C. Also called: KIF1A-Related HSAN2 (HSAN2C); Hereditary sensory and autonomic neuropathy type IIC. Identifiers: Orphanet 970, MedGen C3280168, MONDO:0013634, OMIM 614213.
Hereditary spastic paraplegia 30. Identifiers: Orphanet 101010, MedGen C5235139, MONDO:0012476.
Intellectual disability, autosomal dominant 9 (NESCAVS). Also called: NESCAV SYNDROME; KIF1A-Related Neurodevelopmental Disorder. Identifiers: Orphanet 662367, MedGen C5393830, MONDO:0013656, OMIM 614255.

Submission:

Labcorp Genetics (formerly Invitae), Labcorp
Classification: Uncertain significance for Hereditary spastic paraplegia 30; Neuropathy, hereditary sensory, type 2C; Intellectual disability, autosomal dominant 9. Last evaluated: 2023-03-07. Review status: criteria provided, single submitter. Criteria: Invitae Variant Classification Sherloc (09022015). Collection method: clinical testing. Allele origin: germline.
Comment: In summary, the available evidence is currently insufficient to determine the role of this variant in disease. Therefore, it has been classified as a Variant of Uncertain Significance. Advanced modeling of protein sequence and biophysical properties (such as structural, functional, and spatial information, amino acid conservation, physicochemical variation, residue mobility, and thermodynamic stability) performed at Invitae indicates that this missense variant is not expected to disrupt KIF1A protein function. This variant has not been reported in the literature in individuals affected with KIF1A-related conditions. This variant is not present in population databases (gnomAD no frequency). This sequence change replaces phenylalanine, which is neutral and non-polar, with leucine, which is neutral and non-polar, at codon 1033 of the KIF1A protein (p.Phe1033Leu).

NM_001244008.2(KIF1A):c.3402C>G (p.Phe1134Leu)

Gene: KIF1A (kinesin family member 1A; minus strand). Cytogenetic location: 2q37.3.
Variant type: single nucleotide variant.
Coding change: c.3402C>G on transcript NM_001244008.2 (MANE Select); coding-DNA position 3402, C replaced by G.
Protein change: p.Phe1134Leu; replaces phenylalanine 1134 with leucine.
Molecular consequence: missense variant.
Genome position (GRCh38, 1-based): chr2:240,745,490, G>C on the plus strand (C>G on the coding strand, the complement: KIF1A is on the minus strand). VCF-style: chr2-240745490-G-C. GRCh37 (hg19) VCF-style: chr2-241684907-G-C.
Other names: c.3126C>G, p.Phe1042Leu (NM_001320705.2, NM_001330289.2, NM_001379638.1); c.3201C>G, p.Phe1067Leu (NM_001330290.2, NM_001379634.1, NM_001379635.1 and 1 more transcripts); c.3477C>G, p.Phe1159Leu (NM_001379631.1); c.3351C>G, p.Phe1117Leu (NM_001379632.1); c.3375C>G, p.Phe1125Leu (NM_001379633.1, NM_001379642.1, NM_001379645.1); c.3099C>G, p.Phe1033Leu (NM_001379636.1, NM_001379639.1, NM_001379641.1 and 6 more transcripts); c.3174C>G, p.Phe1058Leu (NM_001379637.1, NM_001379648.1); c.3096C>G, p.Phe1032Leu (NM_001379640.1); short protein forms F1032L, F1134L, F1159L, F1067L, F1033L, F1042L, F1058L, F1117L.
Identifiers: ClinVar variation 2945044 (VCV002945044.1), dbSNP rs2537277237, ClinGen allele CA351317477.